The following is an entry in ClinVar:

ClinVar aggregate classification (germline): Pathogenic (1 of 4 stars; one submission).

Submission:

Labcorp Genetics (formerly Invitae), Labcorp
Classification: Pathogenic. Last evaluated: 2023-06-14. Review status: criteria provided, single submitter. Criteria: Invitae Variant Classification Sherloc (09022015). Collection method: clinical testing. Allele origin: unknown.
Comment: For these reasons, this variant has been classified as Pathogenic. This variant has not been reported in the literature in individuals affected with EIF2B1-related conditions. A gross deletion of the genomic region encompassing the full coding sequence of the EIF2B1 gene has been identified. Loss-of-function variants in EIF2B1 are known to be pathogenic (PMID: 11835386, 32865661). The boundaries of this event are unknown as they extend beyond the assayed region for this gene and therefore may encompass additional genes.

Literature cited by the submitters: PubMed 11835386; PubMed 32865661.

NC_000012.11:g.(?_124106303)_(124118104_?)del

Gene: EIF2B1 (eukaryotic translation initiation factor 2B subunit alpha; minus strand). Cytogenetic location: 12q24.31.
Variant type: Deletion.
Identifiers: ClinVar variation 3244367 (VCV003244367.1).